The following is an entry in ClinVar:

NM_006180.6(NTRK2):c.929A>G (p.Asn310Ser)

Gene: NTRK2 (neurotrophic receptor tyrosine kinase 2; plus strand). Cytogenetic location: 9q21.33.
Variant type: single nucleotide variant.
Coding change: c.929A>G on transcript NM_006180.6 (MANE Select); coding-DNA position 929, A replaced by G.
Protein change: p.Asn310Ser; replaces asparagine 310 with serine.
Molecular consequence: missense variant.
Genome position (GRCh38, 1-based): chr9:84,727,729, A>G. VCF-style: chr9-84727729-A-G. GRCh37 (hg19) VCF-style: chr9-87342644-A-G.
Other names: c.929A>G, p.Asn310Ser (NM_001007097.3, NM_001018064.3, NM_001018065.2 and 17 more transcripts); c.890A>G, p.Asn297Ser (NM_001291937.2, NM_001369546.1); c.461A>G, p.Asn154Ser (NM_001369535.1, NM_001369536.1, NM_001369550.1 and 2 more transcripts); short protein forms N154S, N297S, N310S.
Identifiers: ClinVar variation 1714251 (VCV001714251.5), dbSNP rs2492227136, ClinGen allele CA374008369.

ClinVar aggregate classification (germline): Uncertain significance (1 of 4 stars; one submission).

Allele frequency attached by ClinVar (database versions not stated): gnomAD exomes below 0.00001.
gnomAD v4.1: 1 of 1,614,012 alleles (0.000062%); no homozygotes.

Submission:

Labcorp Genetics (formerly Invitae), Labcorp
Classification: Uncertain significance. Last evaluated: 2022-09-22. Review status: criteria provided, single submitter. Criteria: Invitae Variant Classification Sherloc (09022015). Collection method: clinical testing. Allele origin: germline.
Comment: In summary, the available evidence is currently insufficient to determine the role of this variant in disease. Therefore, it has been classified as a Variant of Uncertain Significance. Advanced modeling of protein sequence and biophysical properties (such as structural, functional, and spatial information, amino acid conservation, physicochemical variation, residue mobility, and thermodynamic stability) performed at Invitae indicates that this missense variant is not expected to disrupt NTRK2 protein function. This variant has not been reported in the literature in individuals affected with NTRK2-related conditions. This variant is not present in population databases (gnomAD no frequency). This sequence change replaces asparagine, which is neutral and polar, with serine, which is neutral and polar, at codon 310 of the NTRK2 protein (p.Asn310Ser).